The following is an entry in ClinVar:

ClinVar aggregate classification (germline): Pathogenic (1 of 4 stars; one submission).

Conditions:
Osteogenesis imperfecta type I (OI1). Also called: OI, TYPE I; OSTEOGENESIS IMPERFECTA TARDA; OSTEOGENESIS IMPERFECTA WITH BLUE SCLERAE; Osteogenesis imperfecta type 1; Classic Non-deforming Osteogenesis Imperfecta with Blue Sclerae; Lobstein's Disease. Identifiers: Orphanet 216796, Orphanet 666, MedGen C0023931, MONDO:0008146, OMIM 166200. Disease mechanism: loss of function.

Submission:

Clinical Biomedical Laboratory, Shriners Hospital For Children - Canada
Classification: Pathogenic for Osteogenesis imperfecta type I. Last evaluated: 2025-05-23. Review status: criteria provided, single submitter. Criteria: ACMG Guidelines, 2015. Collection method: clinical testing. Allele origin: germline. Affected: yes.
Comment: This variant introduces a frameshift in COL1A1 and is expected to lead to a premature termination codon, which results in degradation of the affected mRNA and haploinsufficiency of the corresponding collagen type I alpha 1 chain. Frameshift variants in COL1A1 are a typical cause of osteogenesis imperfecta. This variant is absent from the Genome Aggregation Database (v2.1.1).

NM_000088.4(COL1A1):c.1781dup (p.Ala595fs)

Gene: COL1A1 (collagen type I alpha 1 chain; minus strand). Cytogenetic location: 17q21.33.
Variant type: Duplication.
Coding change: c.1781dup on transcript NM_000088.4 (MANE Select); coding-DNA position 1781, one base duplicated (A; older notation c.1781dupA).
Protein change: p.Ala595fs; shifts the reading frame from alanine 595.
Molecular consequence: frameshift variant.
Genome position (GRCh38, 1-based): chr17:50,193,034, T duplicated on the plus strand (A on the coding strand, the reverse complement: COL1A1 is on the minus strand); the first of 2 consecutive T bases (chr17:50,193,034-50,193,035); duplicating either gives the same sequence. VCF-style (leftmost placement, unchanged base first): chr17-50193033-C-CT. GRCh37 (hg19) VCF-style: chr17-48270394-C-CT.
Other names: short protein forms A595fs.
Identifiers: ClinVar variation 3902832 (VCV003902832.1).